The following is an entry in ClinVar:

ClinVar aggregate classification (germline): Uncertain significance (1 of 4 stars; one submission).

Conditions:
Nephronophthisis 14 (NPHP14). Identifiers: Orphanet 2318, MedGen C3539071, MONDO:0013916, OMIM 614844.

Allele frequency attached by ClinVar (database versions not stated): gnomAD exomes below 0.00001 and 0.00001; TOPMed below 0.00001; gnomAD 0.00001.
gnomAD v4.1: 6 of 1,613,844 alleles (0.00037%); highest among the groups gnomAD compares: African/African-American, 0.0013%; no homozygotes.

Submission:

Labcorp Genetics (formerly Invitae), Labcorp
Classification: Uncertain significance for Nephronophthisis 14. Last evaluated: 2021-07-24. Review status: criteria provided, single submitter. Criteria: Invitae Variant Classification Sherloc (09022015). Collection method: clinical testing. Allele origin: germline.
Comment: In summary, the available evidence is currently insufficient to determine the role of this variant in disease. Therefore, it has been classified as a Variant of Uncertain Significance. Algorithms developed to predict the effect of missense changes on protein structure and function output the following: SIFT: "Tolerated"; PolyPhen-2: "Benign"; Align-GVGD: "Class C0". The threonine amino acid residue is found in multiple mammalian species, which suggests that this missense change does not adversely affect protein function. This variant has not been reported in the literature in individuals affected with ZNF423-related conditions. This variant is not present in population databases (ExAC no frequency). This sequence change replaces alanine with threonine at codon 508 of the ZNF423 protein (p.Ala508Thr). The alanine residue is moderately conserved and there is a small physicochemical difference between alanine and threonine.

NM_001379286.1(ZNF423):c.1546G>A (p.Ala516Thr)

Gene: ZNF423 (zinc finger protein 423; minus strand). Cytogenetic location: 16q12.1.
Variant type: single nucleotide variant.
Coding change: c.1546G>A on transcript NM_001379286.1 (MANE Select); coding-DNA position 1546, G replaced by A.
Protein change: p.Ala516Thr; replaces alanine 516 with threonine.
Molecular consequence: missense variant.
Genome position (GRCh38, 1-based): chr16:49,637,630, C>T on the plus strand (G>A on the coding strand, the complement: ZNF423 is on the minus strand). VCF-style: chr16-49637630-C-T. GRCh37 (hg19) VCF-style: chr16-49671541-C-T.
Other names: c.1342G>A, p.Ala448Thr (NM_001271620.2); c.1171G>A, p.Ala391Thr (NM_001330533.2); c.1522G>A, p.Ala508Thr (NM_015069.5); short protein forms A391T, A516T, A448T, A508T.
Identifiers: ClinVar variation 1505139 (VCV001505139.8), dbSNP rs1363154257, ClinGen allele CA395848586.